The following is an entry in ClinVar:

ClinVar aggregate classification (germline): Pathogenic (1 of 4 stars; one submission).

Submission:

Labcorp Genetics (formerly Invitae), Labcorp
Classification: Pathogenic. Last evaluated: 2022-03-28. Review status: criteria provided, single submitter. Criteria: Invitae Variant Classification Sherloc (09022015). Collection method: clinical testing. Allele origin: germline.
Comment: For these reasons, this variant has been classified as Pathogenic. This variant has not been reported in the literature in individuals affected with CEP250-related conditions. This variant is not present in population databases (gnomAD no frequency). This sequence change creates a premature translational stop signal (p.Trp145*) in the CEP250 gene. It is expected to result in an absent or disrupted protein product. Loss-of-function variants in CEP250 are known to be pathogenic (PMID: 24780881, 29718797).

Literature cited by the submitters: PubMed 24780881; PubMed 29718797.

NM_007186.6(CEP250):c.434G>A (p.Trp145Ter)

Gene: CEP250 (centrosomal protein 250; plus strand). Cytogenetic location: 20q11.22.
Variant type: single nucleotide variant.
Coding change: c.434G>A on transcript NM_007186.6 (MANE Select); coding-DNA position 434, G replaced by A.
Protein change: p.Trp145Ter; replaces tryptophan 145 with a stop codon.
Molecular consequence: nonsense. On other transcripts: 5 prime UTR variant (1).
Genome position (GRCh38, 1-based): chr20:35,466,146, G>A. VCF-style: chr20-35466146-G-A. GRCh37 (hg19) VCF-style: chr20-34053971-G-A.
Other names: c.-1466G>A (NM_001318219.1); short protein forms W145*.
Identifiers: ClinVar variation 1949785 (VCV001949785.5), dbSNP rs2515582964, ClinGen allele CA408753644.